The following is an entry in ClinVar:

NM_030962.4(SBF2):c.2081C>T (p.Ala694Val)

Genes: SBF2 (SET binding factor 2; minus strand), LOC101928008 (uncharacterized LOC101928008; plus strand). Cytogenetic location: 11p15.4.
Variant type: single nucleotide variant.
Coding change: c.2081C>T on transcript NM_030962.4 (MANE Select); coding-DNA position 2081, C replaced by T.
Protein change: p.Ala694Val; replaces alanine 694 with valine.
Molecular consequence: missense variant.
Genome position (GRCh38, 1-based): chr11:9,858,245, G>A on the plus strand (C>T on the coding strand, the complement: SBF2 is on the minus strand). VCF-style: chr11-9858245-G-A. GRCh37 (hg19) VCF-style: chr11-9879792-G-A.
Other names: p.Ala694Val; c.2081C>T, p.Ala694Val (NM_001386339.1); c.1952C>T, p.Ala651Val (NM_001386342.1); short protein forms A694V, A651V.
Identifiers: ClinVar variation 581159 (VCV000581159.13), dbSNP rs141368249, ClinGen allele CA5881652.

ClinVar aggregate classification (germline): Conflicting classifications of pathogenicity. Review status: criteria provided, conflicting classifications (1 of 4 stars). 4 submissions from 4 submitters: Uncertain significance (2); Likely benign (2). Last evaluated 2026-01-26.

Conditions:
Charcot-Marie-Tooth disease type 4B2. Also called: Charcot-Marie-Tooth Neuropathy Type 4B2; CHARCOT-MARIE-TOOTH DISEASE, DEMYELINATING, TYPE 4B2; CHARCOT-MARIE-TOOTH DISEASE, WITH FOCALLY FOLDED MYELIN SHEATHS, AUTOSOMAL RECESSIVE, TYPE 4B2; CMT 4B2. Identifiers: Orphanet 99956, MedGen C1858278, MONDO:0011475, OMIM 604563.
Inborn genetic diseases. Identifiers: MedGen C0950123, MeSH D030342.
SBF2-related disorder. Also called: SBF2-related condition.
Charcot-Marie-Tooth disease type 4. Also called: Charcot-Marie-Tooth disease, type IV; Charcot-Marie-Tooth, Type 4. Identifiers: Orphanet 64749, MedGen C4082197, MONDO:0018995.

Allele frequency attached by ClinVar (database versions not stated): gnomAD exomes 0.00005 and 0.00011; ExAC 0.00015; 1000 Genomes Project 30x 0.00031; ESP Exome Variant Server 0.00031; 1000 Genomes Project 0.00040; gnomAD 0.00046 and 0.00051; TOPMed 0.00076.
gnomAD v4.1: 149 of 1,614,110 alleles (0.0092%); highest among the groups gnomAD compares: African/African-American, 0.17%; no homozygotes.

Submissions (4):

Labcorp Genetics (formerly Invitae), Labcorp
Classification: Uncertain significance for Charcot-Marie-Tooth disease type 4. Last evaluated: 2026-01-26. Review status: criteria provided, single submitter. Criteria: Invitae Variant Classification Sherloc (09022015). Collection method: clinical testing. Allele origin: germline.
Comment: This sequence change replaces alanine, which is neutral and non-polar, with valine, which is neutral and non-polar, at codon 694 of the SBF2 protein (p.Ala694Val). This variant is present in population databases (rs141368249, gnomAD 0.2%). This variant has not been reported in the literature in individuals affected with SBF2-related conditions. ClinVar contains an entry for this variant (Variation ID: 581159). Invitae Evidence Modeling of protein sequence and biophysical properties (such as structural, functional, and spatial information, amino acid conservation, physicochemical variation, residue mobility, and thermodynamic stability) indicates that this missense variant is not expected to disrupt SBF2 protein function with a negative predictive value of 80%. In summary, the available evidence is currently insufficient to determine the role of this variant in disease. Therefore, it has been classified as a Variant of Uncertain Significance.

Mayo Clinic Laboratories, Mayo Clinic
Classification: Likely benign. Last evaluated: 2025-04-23. Review status: criteria provided, single submitter. Criteria: ACMG Guidelines, 2015. Collection method: clinical testing. Allele origin: germline. Observed: 1 variant allele.
Comment: BS1, BP4_moderate

PreventionGenetics, part of Exact Sciences
Classification: Likely benign for SBF2-related condition. Last evaluated: 2024-12-04. Review status: criteria provided, single submitter. Criteria: ACMG Guidelines, 2015. Collection method: clinical testing. Allele origin: germline.
Comment: This variant is classified as likely benign based on ACMG/AMP sequence variant interpretation guidelines (Richards et al. 2015 PMID: 25741868, with internal and published modifications).

Ambry Genetics
Classification: Uncertain significance for Inborn genetic diseases. Last evaluated: 2021-12-23. Review status: criteria provided, single submitter. Criteria: Ambry Variant Classification Scheme 2023. Collection method: clinical testing. Allele origin: germline.
Comment: The p.A694V variant (also known as c.2081C>T), located in coding exon 18 of the SBF2 gene, results from a C to T substitution at nucleotide position 2081. The alanine at codon 694 is replaced by valine, an amino acid with similar properties. This amino acid position is not well conserved in available vertebrate species. In addition, this alteration is predicted to be tolerated by in silico analysis. Since supporting evidence is limited at this time, the clinical significance of this alteration remains unclear.